The following is an entry in ClinVar:

NM_000208.4(INSR):c.2151_2152del (p.Gln718fs)

Gene: INSR (insulin receptor; minus strand). Cytogenetic location: 19p13.2.
Variant type: Microsatellite.
Coding change: c.2151_2152del on transcript NM_000208.4 (MANE Select); coding-DNA positions 2151 to 2152, 2 bases deleted (TC; older notation c.2151_2152delTC).
Protein change: p.Gln718fs; shifts the reading frame from glutamine 718.
Molecular consequence: frameshift variant.
Genome position (GRCh38, 1-based): chr19:7,152,805-7,152,806, GA deleted on the plus strand (TC on the coding strand, the reverse complement: INSR is on the minus strand); deleting any 2 consecutive bases within chr19:7,152,805-7,152,809 gives the same sequence; the c. name uses the placement nearest the transcript's 3' end. VCF-style (leftmost placement, unchanged base first): chr19-7152804-TGA-T. GRCh37 (hg19) VCF-style: chr19-7152815-TGA-T.
Other names: c.2151_2152del, p.Gln718fs (NM_001079817.3); short protein forms Q718fs.
Identifiers: ClinVar variation 3601987 (VCV003601987.1).

ClinVar aggregate classification (germline): Likely pathogenic (1 of 4 stars; one submission).

Conditions:
Rabson-Mendenhall syndrome. Also called: MENDENHALL SYNDROME; Pineal Hyperplasia, Insulin-Resistant Diabetes Mellitus, and Somatic Abnormalities; Pineal hyperplasia AND diabetes mellitus syndrome. Identifiers: Orphanet 769, MedGen C0271695, MONDO:0009874, OMIM 262190.

Submission:

MVZ Medizinische Genetik Mainz
Classification: Likely pathogenic for Rabson-Mendenhall syndrome. Last evaluated: 2025-01-06. Review status: criteria provided, single submitter. Criteria: UK Practice Guidelines For Variant Classification V4 01 2020. Collection method: clinical testing. Allele origin: germline. Inheritance: Autosomal dominant inheritance. Affected: yes. Observed: 1 variant allele.
Comment: ACMG Criteria: PVS1,PM2_SUP